The following is an entry in ClinVar:

NM_153026.3(PRICKLE1):c.1629C>T (p.Ser543=)

Gene: PRICKLE1 (prickle planar cell polarity protein 1; minus strand). Cytogenetic location: 12q12.
Variant type: single nucleotide variant.
Coding change: c.1629C>T on transcript NM_153026.3 (MANE Select); coding-DNA position 1629, C replaced by T.
Protein change: p.Ser543=; no amino-acid change (serine 543 retained).
Molecular consequence: synonymous variant.
Genome position (GRCh38, 1-based): chr12:42,464,405, G>A on the plus strand (C>T on the coding strand, the complement: PRICKLE1 is on the minus strand). VCF-style: chr12-42464405-G-A. GRCh37 (hg19) VCF-style: chr12-42858207-G-A.
Other names: c.1629C>T, p.Ser543= (NM_001144881.2, NM_001144882.2, NM_001144883.2).
Identifiers: ClinVar variation 378423 (VCV000378423.13), dbSNP rs748556304, ClinGen allele CA6519726.

ClinVar aggregate classification (germline): Likely benign. Review status: criteria provided, multiple submitters, no conflicts (2 of 4 stars). 3 submissions from 3 submitters: Likely benign (2). 1 of the submissions does not count toward it. Last evaluated 2025-06-02.

Conditions:
PRICKLE1-related disorder. Also called: PRICKLE1-related condition; PRICKLE1-Related Disorders. Identifiers: MedGen CN381536.
Epilepsy, progressive myoclonic, 1B. Also called: PME. Identifiers: Orphanet 308, MedGen C2676254, MONDO:0012904, OMIM 612437.

Allele frequency attached by ClinVar (database versions not stated): gnomAD 0.00006; TOPMed 0.00014.
gnomAD v4.1: 268 of 1,613,820 alleles (0.017%); highest among the groups gnomAD compares: Non-Finnish European, 0.022%; no homozygotes.

Submissions (3):

Labcorp Genetics (formerly Invitae), Labcorp
Classification: Likely benign for Epilepsy, progressive myoclonic, 1B. Last evaluated: 2025-06-02. Review status: criteria provided, single submitter. Criteria: Invitae Variant Classification Sherloc (09022015). Collection method: clinical testing. Allele origin: germline.

GeneDx
Classification: Likely benign. Last evaluated: 2016-01-29. Review status: criteria provided, single submitter. Criteria: GeneDx Variant Classification (06012015). Collection method: clinical testing. Allele origin: germline. Affected: yes.
Comment: This variant is considered likely benign or benign based on one or more of the following criteria: it is a conservative change, it occurs at a poorly conserved position in the protein, it is predicted to be benign by multiple in silico algorithms, and/or has population frequency not consistent with disease.

PreventionGenetics, part of Exact Sciences
Classification: Likely benign for PRICKLE1-related condition. Last evaluated: 2023-09-25. Review status: no assertion criteria provided. Collection method: clinical testing. Allele origin: germline. Not counted in ClinVar's aggregate classification.
Comment: This variant is classified as likely benign based on ACMG/AMP sequence variant interpretation guidelines (Richards et al. 2015 PMID: 25741868, with internal and published modifications).